The following is an entry in ClinVar:

ClinVar aggregate classification (germline): Uncertain significance. Review status: criteria provided, multiple submitters, no conflicts (2 of 4 stars). 3 submissions from 3 submitters: Uncertain significance (3). Last evaluated 2026-06-28.

Conditions:
UCP3-related disorder. Also called: UCP3-related condition.

Allele frequency attached by ClinVar (database versions not stated): ExAC 0.00002; TOPMed 0.00002.
gnomAD v4.1: 33 of 1,614,082 alleles (0.002%); highest among the groups gnomAD compares: Admixed American, 0.028%; no homozygotes.

Submissions (3):

PreventionGenetics, part of Exact Sciences
Classification: Uncertain significance for UCP3-related condition. Last evaluated: 2026-06-28. Review status: criteria provided, single submitter. Criteria: ACMG Guidelines, 2015. Collection method: clinical testing. Allele origin: germline.
Comment: The UCP3 c.731G>A variant is predicted to result in the amino acid substitution p.Arg244Gln. To our knowledge, this variant has not been reported in the literature. This variant is reported in 0.040% of alleles in individuals of Latino descent in gnomAD. At this time, the clinical significance of this variant is uncertain due to the absence of conclusive functional and genetic evidence.

Ambry Genetics
Classification: Uncertain significance. Last evaluated: 2025-02-19. Review status: criteria provided, single submitter. Criteria: Ambry Variant Classification Scheme 2023. Collection method: clinical testing. Allele origin: germline.

Blueprint Genetics
Classification: Uncertain significance. Last evaluated: 2024-11-04. Review status: criteria provided, single submitter. Criteria: ACMG Guidelines, 2015. Collection method: clinical testing. Allele origin: germline.

NM_003356.4(UCP3):c.731G>A (p.Arg244Gln)

Gene: UCP3 (uncoupling protein 3; minus strand). Cytogenetic location: 11q13.4.
Variant type: single nucleotide variant.
Coding change: c.731G>A on transcript NM_003356.4 (MANE Select); coding-DNA position 731, G replaced by A.
Protein change: p.Arg244Gln; replaces arginine 244 with glutamine.
Molecular consequence: missense variant.
Genome position (GRCh38, 1-based): chr11:74,003,920, C>T on the plus strand (G>A on the coding strand, the complement: UCP3 is on the minus strand). VCF-style: chr11-74003920-C-T. GRCh37 (hg19) VCF-style: chr11-73714965-C-T.
Other names: c.731G>A, p.Arg244Gln (NM_022803.3); short protein forms R244Q.
Identifiers: ClinVar variation 2634237 (VCV002634237.6), dbSNP rs755928179, ClinGen allele CA6181376.